The following is an entry in ClinVar:

NM_033026.6(PCLO):c.2740G>A (p.Asp914Asn)

Gene: PCLO (piccolo presynaptic cytomatrix protein; minus strand). Cytogenetic location: 7q21.11.
Variant type: single nucleotide variant.
Coding change: c.2740G>A on transcript NM_033026.6 (MANE Select); coding-DNA position 2740, G replaced by A.
Protein change: p.Asp914Asn; replaces aspartic acid 914 with asparagine.
Molecular consequence: missense variant.
Genome position (GRCh38, 1-based): chr7:83,134,810, C>T on the plus strand (G>A on the coding strand, the complement: PCLO is on the minus strand). VCF-style: chr7-83134810-C-T. GRCh37 (hg19) VCF-style: chr7-82764126-C-T.
Other names: c.2740G>A, p.Asp914Asn (NM_014510.3); short protein forms D914N.
Identifiers: ClinVar variation 1482048 (VCV001482048.6), dbSNP rs926610039, ClinGen allele CA161172210.

ClinVar aggregate classification (germline): Uncertain significance (1 of 4 stars; one submission).

Allele frequency attached by ClinVar (database versions not stated): gnomAD exomes below 0.00001.
gnomAD v4.1: 2 of 1,613,768 alleles (0.00012%); highest among the groups gnomAD compares: Middle Eastern, 0.017%; no homozygotes.

Submission:

Labcorp Genetics (formerly Invitae), Labcorp
Classification: Uncertain significance. Last evaluated: 2021-10-15. Review status: criteria provided, single submitter. Criteria: Invitae Variant Classification Sherloc (09022015). Collection method: clinical testing. Allele origin: germline.
Comment: This sequence change replaces aspartic acid with asparagine at codon 914 of the PCLO protein (p.Asp914Asn). The aspartic acid residue is moderately conserved and there is a small physicochemical difference between aspartic acid and asparagine. This variant is not present in population databases (ExAC no frequency). This variant has not been reported in the literature in individuals affected with PCLO-related conditions. Algorithms developed to predict the effect of missense changes on protein structure and function are either unavailable or do not agree on the potential impact of this missense change (SIFT: "Deleterious"; PolyPhen-2: "Not Available"; Align-GVGD: "Class C0"). In summary, the available evidence is currently insufficient to determine the role of this variant in disease. Therefore, it has been classified as a Variant of Uncertain Significance.